The following is an entry in ClinVar:

NM_001365276.2(TNXB):c.6722C>T (p.Pro2241Leu)

Gene: TNXB (tenascin XB; minus strand). Cytogenetic location: 6p21.33.
Variant type: single nucleotide variant.
Coding change: c.6722C>T on transcript NM_001365276.2 (MANE Select); coding-DNA position 6722, C replaced by T.
Protein change: p.Pro2241Leu; replaces proline 2241 with leucine.
Molecular consequence: missense variant.
Genome position (GRCh38, 1-based): chr6:32,064,940, G>A on the plus strand (C>T on the coding strand, the complement: TNXB is on the minus strand). VCF-style: chr6-32064940-G-A. GRCh37 (hg19) VCF-style: chr6-32032717-G-A.
Other names: c.6722C>T, p.Pro2241Leu (NM_019105.8); short protein forms P2241L.
Identifiers: ClinVar variation 871708 (VCV000871708.49), dbSNP rs371038535, ClinGen allele CA3734348.

ClinVar aggregate classification (germline): Uncertain significance. Review status: criteria provided, multiple submitters, no conflicts (2 of 4 stars). 4 submissions from 4 submitters: Uncertain significance (4). Last evaluated 2026-03-24.

Conditions:
Cardiovascular phenotype. Identifiers: MedGen CN230736.

Allele frequency attached by ClinVar (database versions not stated): gnomAD 0.00002; gnomAD exomes 0.00002 and 0.00003; TOPMed 0.00003; ExAC 0.00004; ESP Exome Variant Server 0.00026.
gnomAD v4.1: 37 of 1,612,656 alleles (0.0023%); highest among the groups gnomAD compares: Non-Finnish European, 0.0027%; no homozygotes.

Submissions (4):

Women's Health and Genetics/Laboratory Corporation of America, LabCorp
Classification: Uncertain significance. Last evaluated: 2026-03-24. Review status: criteria provided, single submitter. Criteria: LabCorp Variant Classification Summary - May 2015. Collection method: clinical testing. Allele origin: germline.
Comment: Variant summary: TNXB c.6722C>T (p.Pro2241Leu) results in a non-conservative amino acid change in the encoded protein sequence. Algorithms developed to predict the effect of missense changes on protein structure and function are either unavailable or do not agree on the potential impact of this missense change. The variant allele was found at a frequency of 2.9e-05 in 244480 control chromosomes. The available data on variant occurrences in the general population are insufficient to allow any conclusion about variant significance. To our knowledge, no occurrence of c.6722C>T in individuals affected with TNXB-related conditions and no experimental evidence demonstrating its impact on protein function have been reported. ClinVar contains an entry for this variant (Variation ID: 871708). Based on the evidence outlined above, the variant was classified as uncertain significance.

Ambry Genetics
Classification: Uncertain significance for Cardiovascular phenotype. Last evaluated: 2025-10-23. Review status: criteria provided, single submitter. Criteria: Ambry Variant Classification Scheme 2023. Collection method: clinical testing. Allele origin: germline.
Comment: The p.P2241L variant (also known as c.6722C>T), located in coding exon 18 of the TNXB gene, results from a C to T substitution at nucleotide position 6722. The proline at codon 2241 is replaced by leucine, an amino acid with similar properties. This amino acid position is well conserved in available vertebrate species. In addition, this alteration is predicted to be tolerated by in silico analysis. Since supporting evidence is limited at this time, the clinical significance of this alteration remains unclear.

GeneDx
Classification: Uncertain significance. Last evaluated: 2023-12-21. Review status: criteria provided, single submitter. Criteria: GeneDx Variant Classification Process June 2021. Collection method: clinical testing. Allele origin: germline. Affected: yes.
Comment: Has not been previously published as pathogenic or benign to our knowledge; In silico analysis supports that this missense variant has a deleterious effect on protein structure/function; This variant is associated with the following publications: (PMID: 26582918)

CeGaT Center for Human Genetics Tuebingen
Classification: Uncertain significance. Last evaluated: 2020-01-01. Review status: criteria provided, single submitter. Criteria: CeGaT Center For Human Genetics Tuebingen Variant Classification Criteria Version 2. Collection method: clinical testing. Allele origin: germline. Affected: yes. Observed: 1 variant allele.